The following is an entry in ClinVar:

NM_001378120.1(MBD5):c.1171A>C (p.Met391Leu)

Gene: MBD5 (methyl-CpG binding domain protein 5; plus strand). Cytogenetic location: 2q23.1.
Variant type: single nucleotide variant.
Coding change: c.1171A>C on transcript NM_001378120.1 (MANE Select); coding-DNA position 1171, A replaced by C.
Protein change: p.Met391Leu; replaces methionine 391 with leucine.
Molecular consequence: missense variant.
Genome position (GRCh38, 1-based): chr2:148,469,114, A>C. VCF-style: chr2-148469114-A-C. GRCh37 (hg19) VCF-style: chr2-149226683-A-C.
Other names: c.1171A>C, p.Met391Leu (NM_018328.5); short protein forms M391L.
Identifiers: ClinVar variation 2579897 (VCV002579897.1), dbSNP rs1473738515, ClinGen allele CA348718551.
Genomic context (GRCh38, chr2:148,469,114, plus strand): 5'-CAGAACCCTGTTATCATTAATCCAACCAGTTTCCATTCAAATGTCCACTCTCAGGTACCT[A>C]TGATGAATGTAAGCATGCCTCCTGCTGTTGTTCCTTTGCCAAGTAATCTCCCATTGCCAA-3'
Protein context (NP_001365049.1, residues 381-401): FHSNVHSQVP[Met391Leu]MNVSMPPAVV

ClinVar aggregate classification (germline): Uncertain significance (1 of 4 stars; one submission).

Submission:

GeneDx
Classification: Uncertain significance. Last evaluated: 2023-03-16. Review status: criteria provided, single submitter. Criteria: GeneDx Variant Classification Process June 2021. Collection method: clinical testing. Allele origin: germline. Affected: yes.
Comment: Not observed at significant frequency in large population cohorts (gnomAD); In silico analysis supports that this missense variant does not alter protein structure/function; Has not been previously published as pathogenic or benign to our knowledge